The following is an entry in ClinVar:

NM_001111.5(ADAR):c.1210G>A (p.Val404Ile)

Gene: ADAR (adenosine deaminase RNA specific; minus strand). Cytogenetic location: 1q21.3.
Variant type: single nucleotide variant.
Coding change: c.1210G>A on transcript NM_001111.5 (MANE Select); coding-DNA position 1210, G replaced by A.
Protein change: p.Val404Ile; replaces valine 404 with isoleucine.
Molecular consequence: missense variant.
Genome position (GRCh38, 1-based): chr1:154,601,432, C>T on the plus strand (G>A on the coding strand, the complement: ADAR is on the minus strand). VCF-style: chr1-154601432-C-T. GRCh37 (hg19) VCF-style: chr1-154573908-C-T.
Other names: c.325G>A, p.Val109Ile (NM_001025107.3, NM_001193495.2, NM_001365046.1 and 3 more transcripts); c.1237G>A, p.Val413Ile (NM_001365045.1); c.1210G>A, p.Val404Ile (NM_015840.4, NM_015841.4); short protein forms V413I, V109I, V404I.
Identifiers: ClinVar variation 2043002 (VCV002043002.4), dbSNP rs1697863385, ClinGen allele CA342597133.

ClinVar aggregate classification (germline): Uncertain significance (1 of 4 stars; one submission).

Conditions:
Aicardi-Goutieres syndrome 6 (AGS6). Identifiers: Orphanet 51, MedGen C3539013, MONDO:0014007, OMIM 615010.
Symmetrical dyschromatosis of extremities (DSH). Also called: SYMMETRIC DYSCHROMATOSIS OF THE EXTREMITIES; Dyschromatosis symmetrica hereditaria; RETICULATE ACROPIGMENTATION OF DOHI; DYSCHROMATOSIS SYMMETRICA HEREDITARIA 1. Identifiers: Orphanet 41, MedGen C0406775, MONDO:0007483, OMIM 127400.

Allele frequency attached by ClinVar (database versions not stated): gnomAD exomes below 0.00001; gnomAD 0.00001.
gnomAD v4.1: 2 of 1,614,070 alleles (0.00012%); highest among the groups gnomAD compares: Non-Finnish European, 0.00017%; no homozygotes.

Submission:

Labcorp Genetics (formerly Invitae), Labcorp
Classification: Uncertain significance for Aicardi-Goutieres syndrome 6; Symmetrical dyschromatosis of extremities. Last evaluated: 2023-05-05. Review status: criteria provided, single submitter. Criteria: Invitae Variant Classification Sherloc (09022015). Collection method: clinical testing. Allele origin: germline.
Comment: In summary, the available evidence is currently insufficient to determine the role of this variant in disease. Therefore, it has been classified as a Variant of Uncertain Significance. Advanced modeling of protein sequence and biophysical properties (such as structural, functional, and spatial information, amino acid conservation, physicochemical variation, residue mobility, and thermodynamic stability) performed at Invitae indicates that this missense variant is not expected to disrupt ADAR protein function. ClinVar contains an entry for this variant (Variation ID: 2043002). This variant has not been reported in the literature in individuals affected with ADAR-related conditions. This variant is not present in population databases (gnomAD no frequency). This sequence change replaces valine, which is neutral and non-polar, with isoleucine, which is neutral and non-polar, at codon 404 of the ADAR protein (p.Val404Ile).